The following is an entry in ClinVar:

ClinVar aggregate classification (germline): Likely benign (0 of 4 stars; one submission).

Conditions:
DROSHA-related disorder. Also called: DROSHA-related condition.

Allele frequency attached by ClinVar (database versions not stated): gnomAD exomes 0.00009; ExAC 0.00034; 1000 Genomes Project 30x 0.00078; 1000 Genomes Project 0.00080; gnomAD 0.00102; ESP Exome Variant Server 0.00110; TOPMed 0.00124.
gnomAD v4.1: 284 of 1,602,074 alleles (0.018%); highest among the groups gnomAD compares: African/African-American, 0.34%; no homozygotes.

Submission:

PreventionGenetics, part of Exact Sciences
Classification: Likely benign for DROSHA-related condition. Last evaluated: 2022-02-03. Review status: no assertion criteria provided. Collection method: clinical testing. Allele origin: germline.
Comment: This variant is classified as likely benign based on ACMG/AMP sequence variant interpretation guidelines (Richards et al. 2015 PMID: 25741868, with internal and published modifications).

NM_001382508.1(DROSHA):c.1433-9C>T

Gene: DROSHA (drosha ribonuclease III; minus strand). Cytogenetic location: 5p13.3.
Variant type: single nucleotide variant.
Coding change: c.1433-9C>T on transcript NM_001382508.1 (MANE Select); 9 bases into the intron before coding-DNA position 1433, C replaced by T.
Molecular consequence: intron variant.
Genome position (GRCh38, 1-based): chr5:31,508,784, G>A on the plus strand (C>T on the coding strand, the complement: DROSHA is on the minus strand). VCF-style: chr5-31508784-G-A. GRCh37 (hg19) VCF-style: chr5-31508891-G-A.
Other names: c.1433-9C>T (NM_013235.5); c.1322-9C>T (NM_001100412.2).
Identifiers: ClinVar variation 3048002 (VCV003048002.2), dbSNP rs370977443, ClinGen allele CA3217684.